The following is an entry in ClinVar:

NM_019066.5(MAGEL2):c.1174A>G (p.Thr392Ala)

Gene: MAGEL2 (MAGE family member L2; minus strand). Cytogenetic location: 15q11.2.
Variant type: single nucleotide variant.
Coding change: c.1174A>G on transcript NM_019066.5 (MANE Select); coding-DNA position 1174, A replaced by G.
Protein change: p.Thr392Ala; replaces threonine 392 with alanine.
Molecular consequence: missense variant.
Genome position (GRCh38, 1-based): chr15:23,646,569, T>C on the plus strand (A>G on the coding strand, the complement: MAGEL2 is on the minus strand). VCF-style: chr15-23646569-T-C. GRCh37 (hg19) VCF-style: chr15-23891716-T-C.
Other names: short protein forms T392A.
Identifiers: ClinVar variation 1314545 (VCV001314545.4), dbSNP rs2140716919, ClinGen allele CA391335015.

ClinVar aggregate classification (germline): Uncertain significance (1 of 4 stars; one submission).

Allele frequency attached by ClinVar (database versions not stated): gnomAD exomes 0.00001.
gnomAD v4.1: 8 of 1,474,240 alleles (0.00054%); highest among the groups gnomAD compares: Non-Finnish European, 0.00063%; no homozygotes.

Submission:

GeneDx
Classification: Uncertain significance. Last evaluated: 2026-01-14. Review status: criteria provided, single submitter. Criteria: GeneDx Variant Classification Process June 2021. Collection method: clinical testing. Allele origin: germline. Affected: yes.
Comment: Not observed at significant frequency in large population cohorts (gnomAD); In-silico analysis is inconclusive as to whether the variant impacts protein structure/function. In the absence of functional studies, the actual effect of this sequence change is unknown; Has not been previously published as pathogenic or benign to our knowledge